The following is an entry in ClinVar:

NM_001291303.3(FAT4):c.9203A>G (p.Asn3068Ser)

Gene: FAT4 (FAT atypical cadherin 4; plus strand). Cytogenetic location: 4q28.1.
Variant type: single nucleotide variant.
Coding change: c.9203A>G on transcript NM_001291303.3 (MANE Select); coding-DNA position 9203, A replaced by G.
Protein change: p.Asn3068Ser; replaces asparagine 3068 with serine.
Molecular consequence: missense variant.
Genome position (GRCh38, 1-based): chr4:125,450,213, A>G. VCF-style: chr4-125450213-A-G. GRCh37 (hg19) VCF-style: chr4-126371368-A-G.
Other names: c.9203A>G, p.Asn3068Ser (NM_001291285.3); c.9197A>G, p.Asn3066Ser (NM_024582.6); short protein forms N3066S, N3068S.
Identifiers: ClinVar variation 3237392 (VCV003237392.1), dbSNP rs751742809.

ClinVar aggregate classification (germline): Uncertain significance (1 of 4 stars; one submission).

Conditions:
Hennekam lymphangiectasia-lymphedema syndrome 2 (HKLLS2). Identifiers: Orphanet 2136, MedGen C4014939, MONDO:0014454, OMIM 616006.

Allele frequency attached by ClinVar (database versions not stated): ExAC 0.00001; gnomAD 0.00001; gnomAD exomes 0.00002; TOPMed 0.00002.
gnomAD v4.1: 26 of 1,613,698 alleles (0.0016%); highest among the groups gnomAD compares: Non-Finnish European, 0.0022%; no homozygotes.

Submission:

Clinical Genomics Laboratory, Washington University in St. Louis
Classification: Uncertain significance for Hennekam lymphangiectasia-lymphedema syndrome 2. Last evaluated: 2024-01-19. Review status: criteria provided, single submitter. Criteria: ACMG Guidelines, 2015. Collection method: clinical testing. Allele origin: germline.
Comment: The FAT4 c.9203A>G (p.Asn3068Ser) variant was identified at a near heterozygous allele fraction of 41%, a frequency which may be consistent with it being of germline origin. Computational predictors suggest that this variant does not impact FAT4 function. This variant is only observed on 26/1,613,698 alleles in the general population (gnomAD v4.0.0), indicating it is not a common variant. This variant, to our knowledge, has not been reported in the medical literature. Due to conflicting information, and based on ACMG/AMP guidelines for variant interpretation (Richards S et al., PMID: 25741868), the clinical significance of the FAT4 c.9203A>G (p.Asn3068Ser) variant is uncertain at this time.